The following is an entry in ClinVar:

NM_022489.4(INF2):c.3478G>A (p.Gly1160Ser)

Gene: INF2 (inverted formin 2; plus strand). Cytogenetic location: 14q32.33.
Variant type: single nucleotide variant.
Coding change: c.3478G>A on transcript NM_022489.4 (MANE Select); coding-DNA position 3478, G replaced by A.
Protein change: p.Gly1160Ser; replaces glycine 1160 with serine.
Molecular consequence: missense variant.
Genome position (GRCh38, 1-based): chr14:104,714,640, G>A. VCF-style: chr14-104714640-G-A. GRCh37 (hg19) VCF-style: chr14-105180977-G-A.
Other names: c.3478G>A, p.Gly1160Ser (NM_001031714.4); short protein forms G1160S.
Identifiers: ClinVar variation 312709 (VCV000312709.69), dbSNP rs9672065, ClinGen allele CA7373274.

ClinVar aggregate classification (germline): Benign/Likely benign. Review status: criteria provided, multiple submitters, no conflicts (2 of 4 stars). 11 submissions from 11 submitters: Benign (8); Likely benign (1). 2 of the submissions do not count toward it. Last evaluated 2026-01-27.

Conditions:
Focal segmental glomerulosclerosis 5 (FSGS5). Identifiers: Orphanet 656, MedGen C2750475, MONDO:0013191, OMIM 613237.
Charcot-Marie-Tooth disease dominant intermediate E. Also called: CHARCOT-MARIE-TOOTH NEUROPATHY WITH FOCAL SEGMENTAL GLOMERULONEPHRITIS. Identifiers: Orphanet 93114, MedGen C4302667, MONDO:0013758, OMIM 614455.
Focal segmental glomerulosclerosis (FSGS). Also called: Glomerulosclerosis, focal; Focal sclerosis with hyalinosis. Identifiers: MedGen C0017668, MONDO:0100313, HP:0000097. Disease mechanism: loss of function.

Allele frequency attached by ClinVar (database versions not stated): gnomAD exomes 0.00232 and 0.00478; ExAC 0.00592; gnomAD 0.01786 and 0.01930; ESP Exome Variant Server 0.01796; TOPMed 0.02016; 1000 Genomes Project 0.02196; 1000 Genomes Project 30x 0.02233.
gnomAD v4.1: 6,246 of 1,612,556 alleles (0.39%); highest among the groups gnomAD compares: African/African-American, 6.3%; 150 homozygotes.

Submissions (11):

Labcorp Genetics (formerly Invitae), Labcorp
Classification: Benign for Charcot-Marie-Tooth disease dominant intermediate E; Focal segmental glomerulosclerosis 5. Last evaluated: 2026-01-27. Review status: criteria provided, single submitter. Criteria: Invitae Variant Classification Sherloc (09022015). Collection method: clinical testing. Allele origin: germline.

Blueprint Genetics
Classification: Likely benign. Last evaluated: 2024-11-27. Review status: criteria provided, single submitter. Criteria: ACMG Guidelines, 2015. Collection method: clinical testing. Allele origin: germline.

ARUP Laboratories, Molecular Genetics and Genomics, ARUP Laboratories
Classification: Benign. Last evaluated: 2024-08-02. Review status: criteria provided, single submitter. Criteria: ARUP Molecular Germline Variant Investigation Process 2024. Collection method: clinical testing. Allele origin: germline.

Mayo Clinic Laboratories, Mayo Clinic
Classification: Benign. Last evaluated: 2023-04-10. Review status: criteria provided, single submitter. Criteria: ACMG Guidelines, 2015. Collection method: clinical testing. Allele origin: germline. Observed: 12 variant alleles.

Genome Diagnostics Laboratory, The Hospital for Sick Children
Classification: Benign for Focal segmental glomerulosclerosis. Last evaluated: 2020-09-04. Review status: criteria provided, single submitter. Criteria: ACMG Guidelines, 2015. Collection method: clinical testing. Allele origin: germline.

Athena Diagnostics
Classification: Benign. Last evaluated: 2018-05-17. Review status: criteria provided, single submitter. Criteria: Athena Diagnostics Criteria. Collection method: clinical testing. Allele origin: germline.

Illumina Laboratory Services, Illumina
Classification: Benign for Focal segmental glomerulosclerosis 5. Last evaluated: 2018-01-13. Review status: criteria provided, single submitter. Criteria: ICSL Variant Classification Criteria 13 December 2019. Collection method: clinical testing. Allele origin: germline.
Comment: This variant was observed in the ICSL laboratory as part of a predisposition screen in an ostensibly healthy population. It had not been previously curated by ICSL or reported in the Human Gene Mutation Database (HGMD: prior to June 1st, 2018), and was therefore a candidate for classification through an automated scoring system. Utilizing variant allele frequency, disease prevalence and penetrance estimates, and inheritance mode, an automated score was calculated to assess if this variant is too frequent to cause the disease. Based on the score and internal cut-off values, a variant classified as benign is not then subjected to further curation. The score for this variant resulted in a classification of benign for this disease.

GeneDx
Classification: Benign. Last evaluated: 2016-02-02. Review status: criteria provided, single submitter. Criteria: GeneDx Variant Classification (06012015). Collection method: clinical testing. Allele origin: germline. Affected: yes.
Comment: This variant is considered likely benign or benign based on one or more of the following criteria: it is a conservative change, it occurs at a poorly conserved position in the protein, it is predicted to be benign by multiple in silico algorithms, and/or has population frequency not consistent with disease.

Breakthrough Genomics
Classification: Benign. Review status: criteria provided, single submitter. Criteria: ACMG Guidelines, 2015. Collection method: not provided. Allele origin: germline. Inheritance: Autosomal dominant inheritance. Affected: yes.

Clinical Genetics, Academic Medical Center
Classification: Benign. Review status: no assertion criteria provided. Collection method: clinical testing. Allele origin: germline. Affected: yes. Study: VKGL Data-share Consensus. Not counted in ClinVar's aggregate classification.

Genome Diagnostics Laboratory, University Medical Center Utrecht
Classification: Likely benign. Review status: no assertion criteria provided. Collection method: clinical testing. Allele origin: germline. Affected: yes. Study: VKGL Data-share Consensus. Not counted in ClinVar's aggregate classification.

Literature cited by the submitters: PubMed 21866090 (cited by Athena Diagnostics).